The following is an entry in ClinVar:

ClinVar aggregate classification (germline): Benign/Likely benign. Review status: criteria provided, multiple submitters, no conflicts (2 of 4 stars). 6 submissions from 6 submitters: Benign (1); Likely benign (4). 1 of the submissions does not count toward it. Last evaluated 2026-01-21.

Conditions:
Obesity. Also called: Obesity disorder. Identifiers: Orphanet 71529, MedGen C0028754, MeSH D009765, MONDO:0011122, HP:0001513.
POMC-related disorder. Also called: POMC-related disorders; POMC-related condition.

Allele frequency attached by ClinVar (database versions not stated): ESP Exome Variant Server 0.00175; 1000 Genomes Project 30x 0.00203; TOPMed 0.00205; 1000 Genomes Project 0.00240; gnomAD 0.00250 and 0.00259; gnomAD exomes 0.00259 and 0.00402; ExAC 0.00301.

Submissions (6):

Labcorp Genetics (formerly Invitae), Labcorp
Classification: Benign. Last evaluated: 2026-01-21. Review status: criteria provided, single submitter. Criteria: Invitae Variant Classification Sherloc (09022015). Collection method: clinical testing. Allele origin: germline.

Blueprint Genetics
Classification: Likely benign. Last evaluated: 2024-10-31. Review status: criteria provided, single submitter. Criteria: ACMG Guidelines, 2015. Collection method: clinical testing. Allele origin: germline.

CeGaT Center for Human Genetics Tuebingen
Classification: Likely benign. Last evaluated: 2024-03-01. Review status: criteria provided, single submitter. Criteria: CeGaT Center For Human Genetics Tuebingen Variant Classification Criteria Version 2. Collection method: clinical testing. Allele origin: germline. Affected: yes. Observed: 1 variant allele.
Comment: POMC: BP4, BP7

Genetic Services Laboratory, University of Chicago
Classification: Likely benign. Last evaluated: 2019-11-12. Review status: criteria provided, single submitter. Criteria: ACMG Guidelines, 2015. Collection method: clinical testing. Allele origin: germline. Affected: no.

Illumina Laboratory Services, Illumina
Classification: Likely benign for Inherited obesity. Last evaluated: 2017-04-27. Review status: criteria provided, single submitter. Criteria: ICSL Variant Classification Criteria 13 December 2019. Collection method: clinical testing. Allele origin: germline.
Comment: This variant was observed as part of a predisposition screen in an ostensibly healthy population. A literature search was performed for the gene, cDNA change, and amino acid change (where applicable). Publications were found based on this search. The evidence from the literature, in combination with allele frequency data from public databases where available, was sufficient to determine this variant is unlikely to cause disease. Therefore, this variant is classified as likely benign.

PreventionGenetics, part of Exact Sciences
Classification: Benign for POMC-related condition. Last evaluated: 2023-04-05. Review status: no assertion criteria provided. Collection method: clinical testing. Allele origin: germline. Not counted in ClinVar's aggregate classification.
Comment: This variant is classified as benign based on ACMG/AMP sequence variant interpretation guidelines (Richards et al. 2015 PMID: 25741868, with internal and published modifications).

Literature cited by the submitters: PubMed 8302318 (cited by Illumina Laboratory Services, Illumina); PubMed 11941477 (cited by Illumina Laboratory Services, Illumina); PubMed 10193875 (cited by Illumina Laboratory Services, Illumina).

NM_000939.4(POMC):c.346C>T (p.Leu116=)

Gene: POMC (proopiomelanocortin; minus strand). Cytogenetic location: 2p23.3.
Variant type: single nucleotide variant.
Coding change: c.346C>T on transcript NM_000939.4 (MANE Select); coding-DNA position 346, C replaced by T.
Protein change: p.Leu116=; no amino-acid change (leucine 116 retained).
Molecular consequence: synonymous variant.
Genome position (GRCh38, 1-based): chr2:25,161,539, G>A on the plus strand (C>T on the coding strand, the complement: POMC is on the minus strand). VCF-style: chr2-25161539-G-A. GRCh37 (hg19) VCF-style: chr2-25384408-G-A.
Other names: c.346C>T, p.Leu116= (NM_001035256.3, NM_001319204.2, NM_001319205.2); c.346C>T (NM_000939.3).
Identifiers: ClinVar variation 728820 (VCV000728820.40), dbSNP rs34650613, ClinGen allele CA1555315.